The following is an entry in ClinVar:

ClinVar aggregate classification (germline): Uncertain significance (1 of 4 stars; one submission).

Allele frequency attached by ClinVar (database versions not stated): TOPMed below 0.00001.

Submission:

Labcorp Genetics (formerly Invitae), Labcorp
Classification: Uncertain significance. Last evaluated: 2020-10-06. Review status: criteria provided, single submitter. Criteria: Invitae Variant Classification Sherloc (09022015). Collection method: clinical testing. Allele origin: germline.
Comment: This sequence change replaces glycine with glutamic acid at codon 807 of the COL4A3 protein (p.Gly807Glu). The glycine residue is highly conserved and there is a moderate physicochemical difference between glycine and glutamic acid. This variant is not present in population databases (ExAC no frequency). This variant has not been reported in the literature in individuals with COL4A3-related conditions. Advanced modeling of protein sequence and biophysical properties (such as structural, functional, and spatial information, amino acid conservation, physicochemical variation, residue mobility, and thermodynamic stability) performed at Invitae indicates that this missense variant is expected to disrupt COL4A3 protein function. In summary, the available evidence is currently insufficient to determine the role of this variant in disease. Therefore, it has been classified as a Variant of Uncertain Significance.

NM_000091.5(COL4A3):c.2420G>A (p.Gly807Glu)

Genes: COL4A3 (collagen type IV alpha 3 chain; plus strand), MFF-DT (MFF divergent transcript; minus strand). Cytogenetic location: 2q36.3.
Variant type: single nucleotide variant.
Coding change: c.2420G>A on transcript NM_000091.5 (MANE Select); coding-DNA position 2420, G replaced by A.
Protein change: p.Gly807Glu; replaces glycine 807 with glutamic acid.
Molecular consequence: missense variant.
Genome position (GRCh38, 1-based): chr2:227,280,938, G>A. VCF-style: chr2-227280938-G-A. GRCh37 (hg19) VCF-style: chr2-228145654-G-A.
Other names: short protein forms G807E.
Identifiers: ClinVar variation 1897750 (VCV001897750.2), dbSNP rs2071919885, ClinGen allele CA350849449.
Genomic context (GRCh38, chr2:227,280,938, plus strand): 5'-TGCTTTCTTTTGCAGGAGATCCAGGGCAGCCTGGACCACCTGGAGAACAAGGACCCCCAG[G>A]AAGGTGCATAGAGGGTCCCAGGGGAGCCCAAGGACTTCCAGGCTTAAATGGATTGAAAGG-3'
Protein context (NP_000082.2, residues 797-817): PGPPGEQGPP[Gly807Glu]RCIEGPRGAQ